The following is an entry in ClinVar:

ClinVar aggregate classification (germline): Uncertain significance. Review status: criteria provided, multiple submitters, no conflicts (2 of 4 stars). 3 submissions from 3 submitters: Uncertain significance (3). Last evaluated 2023-11-25.

Conditions:
Familial idiopathic hypercalciuria (HCA2). Also called: Hypercalciuria, absorptive, 2; Hypercalciuria, absorptive, susceptibility to. Identifiers: MedGen C0342639, MONDO:0007748, OMIM 143870.

Allele frequency attached by ClinVar (database versions not stated): ExAC 0.00004; gnomAD exomes 0.00008 and 0.00022; gnomAD 0.00009; TOPMed 0.00010; ESP Exome Variant Server 0.00023.
gnomAD v4.1: 334 of 1,613,266 alleles (0.021%); highest among the groups gnomAD compares: Non-Finnish European, 0.027%; no homozygotes.

Submissions (3):

Labcorp Genetics (formerly Invitae), Labcorp
Classification: Uncertain significance. Last evaluated: 2023-11-25. Review status: criteria provided, single submitter. Criteria: Invitae Variant Classification Sherloc (09022015). Collection method: clinical testing. Allele origin: germline.
Comment: This sequence change replaces cysteine, which is neutral and slightly polar, with tyrosine, which is neutral and polar, at codon 253 of the ADCY10 protein (p.Cys253Tyr). This variant is present in population databases (rs145461869, gnomAD 0.01%). This missense change has been observed in individual(s) with nephrolithiasis and nephrocalcinosis (PMID: 26787776). ClinVar contains an entry for this variant (Variation ID: 1345495). An algorithm developed to predict the effect of missense changes on protein structure and function (PolyPhen-2) suggests that this variant is likely to be tolerated. In summary, the available evidence is currently insufficient to determine the role of this variant in disease. Therefore, it has been classified as a Variant of Uncertain Significance.

Blueprint Genetics
Classification: Uncertain significance. Last evaluated: 2023-07-12. Review status: criteria provided, single submitter. Criteria: ACMG Guidelines, 2015. Collection method: clinical testing. Allele origin: germline.

Fulgent Genetics
Classification: Uncertain significance for Familial idiopathic hypercalciuria. Last evaluated: 2022-03-09. Review status: criteria provided, single submitter. Criteria: ACMG Guidelines, 2015. Collection method: clinical testing. Allele origin: unknown.

Literature cited by the submitters: PubMed 26787776 (cited by Labcorp Genetics (formerly Invitae), Labcorp).

NM_018417.6(ADCY10):c.758G>A (p.Cys253Tyr)

Genes: ADCY10 (adenylate cyclase 10; minus strand), DCAF6 (DDB1 and CUL4 associated factor 6; plus strand). Cytogenetic location: 1q24.2.
Variant type: single nucleotide variant.
Coding change: c.758G>A on transcript NM_018417.6 (MANE Select); coding-DNA position 758, G replaced by A.
Protein change: p.Cys253Tyr; replaces cysteine 253 with tyrosine.
Molecular consequence: missense variant.
Genome position (GRCh38, 1-based): chr1:167,893,923, C>T on the plus strand (G>A on the coding strand, the complement: ADCY10 is on the minus strand). VCF-style: chr1-167893923-C-T. GRCh37 (hg19) VCF-style: chr1-167863161-C-T.
Other names: c.299G>A, p.Cys100Tyr (NM_001167749.3); c.482G>A, p.Cys161Tyr (NM_001297772.2); short protein forms C100Y, C253Y, C161Y.
Identifiers: ClinVar variation 1345495 (VCV001345495.8), dbSNP rs145461869, ClinGen allele CA1228170.